The following is an entry in ClinVar:

NM_001510.4(GRID2):c.741G>A (p.Val247=)

Gene: GRID2 (glutamate ionotropic receptor delta type subunit 2; plus strand). Cytogenetic location: 4q22.2.
Variant type: single nucleotide variant.
Coding change: c.741G>A on transcript NM_001510.4 (MANE Select); coding-DNA position 741, G replaced by A.
Protein change: p.Val247=; no amino-acid change (valine 247 retained).
Molecular consequence: synonymous variant.
Genome position (GRCh38, 1-based): chr4:93,207,409, G>A. VCF-style: chr4-93207409-G-A. GRCh37 (hg19) VCF-style: chr4-94128560-G-A.
Other names: c.456G>A, p.Val152= (NM_001286838.1).
Identifiers: ClinVar variation 3005774 (VCV003005774.17), dbSNP rs762100538, ClinGen allele CA3012056.

ClinVar aggregate classification (germline): Conflicting classifications of pathogenicity. Review status: criteria provided, conflicting classifications (1 of 4 stars). 2 submissions from 2 submitters: Uncertain significance (1); Likely benign (1). Last evaluated 2024-10-01.

Allele frequency attached by ClinVar (database versions not stated): ExAC 0.00003.
gnomAD v4.1: 16 of 1,597,708 alleles (0.001%); highest among the groups gnomAD compares: Admixed American, 0.0084%; no homozygotes.

Submissions (2):

CeGaT Center for Human Genetics Tuebingen
Classification: Uncertain significance. Last evaluated: 2024-10-01. Review status: criteria provided, single submitter. Criteria: CeGaT Center For Human Genetics Tuebingen Variant Classification Criteria Version 2. Collection method: clinical testing. Allele origin: germline. Affected: yes. Observed: 1 variant allele.
Comment: GRID2: PM2:Supporting, BP4

Labcorp Genetics (formerly Invitae), Labcorp
Classification: Likely benign. Last evaluated: 2023-11-01. Review status: criteria provided, single submitter. Criteria: Invitae Variant Classification Sherloc (09022015). Collection method: clinical testing. Allele origin: germline.